The following is an entry in ClinVar:

NM_004168.4(SDHA):c.1265T>A (p.Leu422Gln)

Gene: SDHA (succinate dehydrogenase complex flavoprotein subunit A; plus strand). Cytogenetic location: 5p15.33.
Variant type: single nucleotide variant.
Coding change: c.1265T>A on transcript NM_004168.4 (MANE Select); coding-DNA position 1265, T replaced by A.
Protein change: p.Leu422Gln; replaces leucine 422 with glutamine.
Molecular consequence: missense variant.
Genome position (GRCh38, 1-based): chr5:236,432, T>A. VCF-style: chr5-236432-T-A. GRCh37 (hg19) VCF-style: chr5-236547-T-A.
Other names: c.1121T>A, p.Leu374Gln (NM_001294332.2); c.1265T>A, p.Leu422Gln (NM_001330758.2); short protein forms L422Q, L374Q.
Identifiers: ClinVar variation 4825091 (VCV004825091.1).

ClinVar aggregate classification (germline): Uncertain significance (1 of 4 stars; one submission).

Conditions:
Hereditary cancer-predisposing syndrome. Also called: Neoplastic Syndromes, Hereditary; Tumor predisposition; Hereditary Cancer Syndrome; Hereditary neoplastic syndrome. Identifiers: Orphanet 140162, MedGen C0027672, MeSH D009386, MONDO:0015356.

Submission:

Ambry Genetics
Classification: Uncertain significance for Hereditary cancer-predisposing syndrome. Last evaluated: 2026-01-19. Review status: criteria provided, single submitter. Criteria: Ambry Variant Classification Scheme 2023. Collection method: clinical testing. Allele origin: germline.
Comment: The p.L422Q variant (also known as c.1265T>A), located in coding exon 10 of the SDHA gene, results from a T to A substitution at nucleotide position 1265. The leucine at codon 422 is replaced by glutamine, an amino acid with dissimilar properties. This amino acid position is conserved. In addition, the in silico prediction for this alteration is inconclusive. Based on the available evidence, the clinical significance of this variant remains unclear.